The following is an entry in ClinVar:

ClinVar aggregate classification (germline): Conflicting classifications of pathogenicity. Review status: criteria provided, conflicting classifications (1 of 4 stars). 5 submissions from 5 submitters: Uncertain significance (1); Benign (1); Likely benign (2). 1 of the submissions does not count toward it. Last evaluated 2025-08-12.

Conditions:
COL6A2-related disorder.
Collagen 6-related myopathy. Identifiers: MedGen CN117976, MONDO:0100225.
Bethlem myopathy 1A. Also called: Bethlem myopathy 1; MYOPATHY, BENIGN CONGENITAL, WITH CONTRACTURES; Bethlem Muscular Dystrophy. Identifiers: Orphanet 610, MedGen CN029274, MONDO:0024530, OMIM 158810.

Allele frequency attached by ClinVar (database versions not stated): gnomAD 0.00013 and 0.00024; TOPMed 0.00020; ExAC 0.00035; gnomAD exomes 0.00042; 1000 Genomes Project 30x 0.00187; 1000 Genomes Project 0.00200.
gnomAD v4.1: 239 of 1,612,762 alleles (0.015%); highest among the groups gnomAD compares: East Asian, 0.49%; no homozygotes.

Submissions (5):

Labcorp Genetics (formerly Invitae), Labcorp
Classification: Likely benign for Bethlem myopathy 1A. Last evaluated: 2025-08-12. Review status: criteria provided, single submitter. Criteria: Invitae Variant Classification Sherloc (09022015). Collection method: clinical testing. Allele origin: germline.

GeneDx
Classification: Uncertain significance. Last evaluated: 2018-07-18. Review status: criteria provided, single submitter. Criteria: GeneDx Variant Classification (06012015). Collection method: clinical testing. Allele origin: germline. Affected: yes.
Comment: A variant of uncertain significance has been identified in the COL6A2 gene. The P497T variant has not been published as a pathogenic variant, nor has it been reported as a benign variant to our knowledge. The P497T variant is observed in 41/8600 (0.5%) alleles from individuals of East Asian background, in the ExAC dataset (Lek et al., 2016; 1000 Genomes Consortium et al., 2015; Exome Variant Server). The P497T variant is a non-conservative amino acid substitution, which is likely to impact secondary protein structure as these residues differ in polarity, charge, size and/or other properties. This substitution occurs at a position that is conserved in mammals, and in silico analysis predicts this variant is probably damaging to the protein structure/function. However, based on the currently available information, it is unclear whether this variant is a pathogenic variant or a rare benign variant.

Illumina Laboratory Services, Illumina
Classification: Benign for Collagen VI-related myopathy. Last evaluated: 2018-01-12. Review status: criteria provided, single submitter. Criteria: ICSL Variant Classification Criteria 13 December 2019. Collection method: clinical testing. Allele origin: germline.
Comment: This variant was observed in the ICSL laboratory as part of a predisposition screen in an ostensibly healthy population. It had not been previously curated by ICSL or reported in the Human Gene Mutation Database (HGMD: prior to June 1st, 2018), and was therefore a candidate for classification through an automated scoring system. Utilizing variant allele frequency, disease prevalence and penetrance estimates, and inheritance mode, an automated score was calculated to assess if this variant is too frequent to cause the disease. Based on the score and internal cut-off values, a variant classified as benign is not then subjected to further curation. The score for this variant resulted in a classification of benign for this disease.

Eurofins Ntd Llc (ga)
Classification: Likely benign. Last evaluated: 2015-11-24. Review status: criteria provided, single submitter. Criteria: EGL Classification Definitions 2015. Collection method: clinical testing. Allele origin: germline. Observed: 1 variant allele, 1 heterozygote.

PreventionGenetics, part of Exact Sciences
Classification: Likely benign for COL6A2-related condition. Last evaluated: 2020-09-30. Review status: no assertion criteria provided. Collection method: clinical testing. Allele origin: germline. Not counted in ClinVar's aggregate classification.
Comment: This variant is classified as likely benign based on ACMG/AMP sequence variant interpretation guidelines (Richards et al. 2015 PMID: 25741868, with internal and published modifications).

NM_001849.4(COL6A2):c.1489C>A (p.Pro497Thr)

Gene: COL6A2 (collagen type VI alpha 2 chain; plus strand). Cytogenetic location: 21q22.3.
Variant type: single nucleotide variant.
Coding change: c.1489C>A on transcript NM_001849.4 (MANE Select); coding-DNA position 1489, C replaced by A.
Protein change: p.Pro497Thr; replaces proline 497 with threonine.
Molecular consequence: missense variant.
Genome position (GRCh38, 1-based): chr21:46,121,586, C>A. VCF-style: chr21-46121586-C-A. GRCh37 (hg19) VCF-style: chr21-47541500-C-A.
Other names: c.1489C>A, p.Pro497Thr (NM_058174.3, NM_058175.3); short protein forms P497T.
Identifiers: ClinVar variation 284555 (VCV000284555.23), dbSNP rs75581470, ClinGen allele CA10071916.